The following is an entry in ClinVar:

ClinVar aggregate classification (germline): Benign. Review status: criteria provided, multiple submitters, no conflicts (2 of 4 stars). 2 submissions from 2 submitters: Benign (2). Last evaluated 2018-06-14.

Allele frequency attached by ClinVar (database versions not stated): gnomAD 0.50498 and 0.49931; 1000 Genomes Project 0.40256; TOPMed 0.48759; 1000 Genomes Project 30x 0.40084; gnomAD exomes 0.54665.
gnomAD v4.1: 362,828 of 677,064 alleles (54%); highest among the groups gnomAD compares: Non-Finnish European, 60%; 101,060 homozygotes.

Submissions (6):

GeneDx
Classification: Benign. Last evaluated: 2018-06-14. Review status: criteria provided, single submitter. Criteria: GeneDx Variant Classification (06012015). Collection method: clinical testing. Allele origin: germline. Affected: yes.
Comment: This variant is considered likely benign or benign based on one or more of the following criteria: it is a conservative change, it occurs at a poorly conserved position in the protein, it is predicted to be benign by multiple in silico algorithms, and/or has population frequency not consistent with disease.

Breakthrough Genomics
Classification: Benign. Review status: criteria provided, single submitter. Criteria: ACMG Guidelines, 2015. Collection method: not provided. Allele origin: germline. Inheritance: Autosomal recessive inheritance. Affected: yes.

Dr. Peter K. Rogan Lab, Western University
No classification provided (evidence only). Condition: Malignant lymphoma, large B-cell, diffuse. Review status: no classification provided. Collection method: in vitro. Allele origin: not applicable. Functional consequence: retained intron. Not counted in ClinVar's aggregate classification.

Dr. Peter K. Rogan Lab, Western University
No classification provided (evidence only). Condition: Cholangiocarcinoma. Review status: no classification provided. Collection method: in vitro. Allele origin: not applicable. Functional consequence: retained intron. Not counted in ClinVar's aggregate classification.

Dr. Peter K. Rogan Lab, Western University
No classification provided (evidence only). Condition: Cholangiocarcinoma. Review status: no classification provided. Collection method: in vitro. Allele origin: not applicable. Functional consequence: retained intron. Not counted in ClinVar's aggregate classification.

Dr. Peter K. Rogan Lab, Western University
No classification provided (evidence only). Condition: Cholangiocarcinoma. Review status: no classification provided. Collection method: in vitro. Allele origin: not applicable. Functional consequence: retained intron. Not counted in ClinVar's aggregate classification.

NM_005476.7(GNE):c.165-115A>G

Gene: GNE (glucosamine (UDP-N-acetyl)-2-epimerase/N-acetylmannosamine kinase; minus strand). Cytogenetic location: 9p13.3.
Variant type: single nucleotide variant.
Coding change: c.165-115A>G on transcript NM_005476.7 (MANE Select); 115 bases into the intron before coding-DNA position 165, A replaced by G.
Molecular consequence: intron variant.
Genome position (GRCh38, 1-based): chr9:36,246,597, T>C on the plus strand (A>G on the coding strand, the complement: GNE is on the minus strand). VCF-style: chr9-36246597-T-C. GRCh37 (hg19) VCF-style: chr9-36246594-T-C.
Other names: NC_000009.11:g.36246594T>C; c.-13-115A>G (NM_001190388.2, NM_001190384.3, NM_001374798.1); c.258-115A>G (NM_001128227.3); c.165-115A>G (NM_001374797.1, NM_001190383.3).
Identifiers: ClinVar variation 681753 (VCV000681753.3), dbSNP rs7861442, ClinGen allele CA13105629.